The following is an entry in ClinVar:

NM_001023570.4(IQCB1):c.877-10G>A

Gene: IQCB1 (IQ motif containing B1; minus strand). Cytogenetic location: 3q13.33.
Variant type: single nucleotide variant.
Coding change: c.877-10G>A on transcript NM_001023570.4 (MANE Select); 10 bases into the intron before coding-DNA position 877, G replaced by A.
Molecular consequence: intron variant.
Genome position (GRCh38, 1-based): chr3:121,795,576, C>T on the plus strand (G>A on the coding strand, the complement: IQCB1 is on the minus strand). VCF-style: chr3-121795576-C-T. GRCh37 (hg19) VCF-style: chr3-121514423-C-T.
Other names: c.877-10G>A (NM_001319107.2); c.588-5361G>A (NM_001023571.4).
Identifiers: ClinVar variation 193612 (VCV000193612.15), dbSNP rs371057369, ClinGen allele CA239156.

ClinVar aggregate classification (germline): Conflicting classifications of pathogenicity. Review status: criteria provided, conflicting classifications (1 of 4 stars). 4 submissions from 4 submitters: Uncertain significance (3); Likely benign (1). Last evaluated 2025-11-25.

Conditions:
Nephronophthisis. Also called: Juvenile Nephronophthisis. Identifiers: Orphanet 655, MedGen C0687120, MONDO:0019005, HP:0000090.
Senior-Loken syndrome 5 (SLSN5). Identifiers: Orphanet 3156, MedGen C1836517, MONDO:0012225, OMIM 609254.

Allele frequency attached by ClinVar (database versions not stated): TOPMed 0.00001; gnomAD exomes 0.00007; ExAC 0.00008; ESP Exome Variant Server 0.00008.
gnomAD v4.1: 110 of 1,518,722 alleles (0.0072%); highest among the groups gnomAD compares: Middle Eastern, 0.017%; no homozygotes.

Submissions (4):

Labcorp Genetics (formerly Invitae), Labcorp
Classification: Likely benign for Nephronophthisis. Last evaluated: 2025-11-25. Review status: criteria provided, single submitter. Criteria: Invitae Variant Classification Sherloc (09022015). Collection method: clinical testing. Allele origin: germline.

GeneDx
Classification: Uncertain significance. Last evaluated: 2024-09-04. Review status: criteria provided, single submitter. Criteria: GeneDx Variant Classification Process June 2021. Collection method: clinical testing. Allele origin: germline. Affected: yes.
Comment: In silico analysis supports a deleterious effect on splicing; Has not been previously published as pathogenic or benign to our knowledge

Fulgent Genetics
Classification: Uncertain significance for Senior-Loken syndrome 5. Last evaluated: 2024-05-01. Review status: criteria provided, single submitter. Criteria: ACMG Guidelines, 2015. Collection method: clinical testing. Allele origin: germline.

Eurofins Ntd Llc (ga)
Classification: Uncertain significance. Last evaluated: 2015-01-05. Review status: criteria provided, single submitter. Criteria: EGL Classification Definitions 2015. Collection method: clinical testing. Allele origin: germline. Observed: 1 variant allele, 1 heterozygote.